The following is an entry in ClinVar:

NM_000287.4(PEX6):c.1367+6T>C

Gene: PEX6 (peroxisomal biogenesis factor 6; minus strand). Cytogenetic location: 6p21.1.
Variant type: single nucleotide variant.
Coding change: c.1367+6T>C on transcript NM_000287.4 (MANE Select); 6 bases into the intron after coding-DNA position 1367, T replaced by C.
Molecular consequence: intron variant.
Genome position (GRCh38, 1-based): chr6:42,969,662, A>G on the plus strand (T>C on the coding strand, the complement: PEX6 is on the minus strand). VCF-style: chr6-42969662-A-G. GRCh37 (hg19) VCF-style: chr6-42937400-A-G.
Other names: c.1103+6T>C (NM_001316313.2).
Identifiers: ClinVar variation 1346050 (VCV001346050.6), dbSNP rs2114247326, ClinGen allele CA2573140767.

ClinVar aggregate classification (germline): Uncertain significance (1 of 4 stars; one submission).

Conditions:
Peroxisome biogenesis disorder. Identifiers: Orphanet 79189, MedGen C1832200, MONDO:0019234. Disease mechanism: loss of function.

Submission:

Labcorp Genetics (formerly Invitae), Labcorp
Classification: Uncertain significance for Peroxisome biogenesis disorder. Last evaluated: 2021-12-02. Review status: criteria provided, single submitter. Criteria: Invitae Variant Classification Sherloc (09022015). Collection method: clinical testing. Allele origin: germline.
Comment: In summary, the available evidence is currently insufficient to determine the role of this variant in disease. Therefore, it has been classified as a Variant of Uncertain Significance. Variants that disrupt the consensus splice site are a relatively common cause of aberrant splicing (PMID: 17576681, 9536098). Algorithms developed to predict the effect of sequence changes on RNA splicing suggest that this variant may disrupt the consensus splice site. This variant has not been reported in the literature in individuals affected with PEX6-related conditions. This variant is not present in population databases (gnomAD no frequency). This sequence change falls in intron 5 of the PEX6 gene. It does not directly change the encoded amino acid sequence of the PEX6 protein. It affects a nucleotide within the consensus splice site.

Literature cited by the submitters: PubMed 17576681; PubMed 9536098.